The following is an entry in ClinVar:

NC_000002.11:g.(?_172647941)_(172750724_?)dup

Gene: SLC25A12 (solute carrier family 25 member 12; minus strand). Cytogenetic location: 2q31.1.
Variant type: Duplication.
Identifiers: ClinVar variation 1497722 (VCV001497722.4).

ClinVar aggregate classification (germline): Uncertain significance (1 of 4 stars; one submission).

Submission:

Labcorp Genetics (formerly Invitae), Labcorp
Classification: Uncertain significance. Last evaluated: 2021-10-05. Review status: criteria provided, single submitter. Criteria: Invitae Variant Classification Sherloc (09022015). Collection method: clinical testing. Allele origin: germline.
Comment: In summary, the available evidence is currently insufficient to determine the role of this variant in disease. Therefore, it has been classified as a Variant of Uncertain Significance. Experimental studies and prediction algorithms are not available or were not evaluated, and the functional significance of this variant is currently unknown. This variant has not been reported in the literature in individuals affected with SLC25A12-related conditions. This variant results in a copy number gain of the genomic region encompassing exon(s) 1-15 of the SLC25A12 gene. This region includes the initiator codon of the gene. This copy number gain extends beyond the assayed region for this gene and therefore may encompass additional genes. As the precise location of this event is unknown, it may be in tandem or it may be located elsewhere in the genome.